The following is an entry in ClinVar:

NM_000260.4(MYO7A):c.2075dup (p.Lys693fs)

Gene: MYO7A (myosin VIIA; plus strand). Cytogenetic location: 11q13.5.
Variant type: Duplication.
Coding change: c.2075dup on transcript NM_000260.4 (MANE Select); coding-DNA position 2075, one base duplicated (T; older notation c.2075dupT).
Protein change: p.Lys693fs; shifts the reading frame from lysine 693.
Molecular consequence: frameshift variant.
Genome position (GRCh38, 1-based): chr11:77,174,895, T duplicated. VCF-style (leftmost placement, unchanged base first): chr11-77174894-G-GT. GRCh37 (hg19) VCF-style: chr11-76885940-G-GT.
Other names: c.2075dup, p.Lys693fs (NM_001127180.2); c.2042dup, p.Lys682fs (NM_001369365.1); short protein forms K682fs, K693fs.
Identifiers: ClinVar variation 5012234 (VCV005012234.1).

ClinVar aggregate classification (germline): Pathogenic (1 of 4 stars; one submission).

Conditions:
Usher syndrome type 1 (USH1). Also called: RETINITIS PIGMENTOSA AND CONGENITAL DEAFNESS. Identifiers: Orphanet 231169, Orphanet 886, MedGen C1568247, MONDO:0010168, OMIM 276900.

Submission:

Myriad Genetics, Inc.
Classification: Pathogenic for Usher syndrome type 1. Last evaluated: 2023-09-27. Review status: criteria provided, single submitter. Criteria: Myriad Autosomal Dominant, Autosomal Recessive and X-Linked Classification Criteria (2023). Collection method: clinical testing. Allele origin: unknown.
Comment: NM_000260.3(MYO7A):c.2075dupT(K693Efs*18) is expected to be pathogenic in the context of MYO7A-related disorders. This variant is predicted to lead to an abnormal or absent protein product due to the creation of a premature termination codon in MYO7A, a gene where loss-of-function variants are known to be pathogenic. Please note: this variant was assessed in the context of healthy population screening.